The following is an entry in ClinVar:

ClinVar aggregate classification (germline): Uncertain significance (1 of 4 stars; one submission).

Conditions:
Gastrointestinal stromal tumor. Also called: Gastrointestinal stroma tumor; Gastrointestinal stromal tumor, somatic. Identifiers: Orphanet 44890, MedGen C0238198, MeSH D046152, MONDO:0011719, OMIM 606764, HP:0100723.

Submission:

Labcorp Genetics (formerly Invitae), Labcorp
Classification: Uncertain significance for Gastrointestinal stromal tumor. Last evaluated: 2017-05-01. Review status: criteria provided, single submitter. Criteria: Invitae Variant Classification Sherloc (09022015). Collection method: clinical testing. Allele origin: germline.
Comment: Algorithms developed to predict the effect of missense changes on protein structure and function (SIFT, PolyPhen-2, Align-GVGD) all suggest that this variant is likely to be disruptive, but these predictions have not been confirmed by published functional studies. In summary, this variant is a novel missense change with uncertain impact on protein function. It has been classified as a Variant of Uncertain Significance. This variant is not present in population databases (ExAC no frequency) and has not been reported in the literature in individuals with a KIT-related disease. This sequence change replaces glutamic acid with alanine at codon 605 of the KIT protein (p.Glu605Ala). The glutamic acid residue is highly conserved and there is a moderate physicochemical difference between glutamic acid and alanine.

NM_000222.3(KIT):c.1814A>C (p.Glu605Ala)

Gene: KIT (KIT proto-oncogene, receptor tyrosine kinase; plus strand). Cytogenetic location: 4q12.
Variant type: single nucleotide variant.
Coding change: c.1814A>C on transcript NM_000222.3 (MANE Select); coding-DNA position 1814, A replaced by C.
Protein change: p.Glu605Ala; replaces glutamic acid 605 with alanine.
Molecular consequence: missense variant.
Genome position (GRCh38, 1-based): chr4:54,727,862, A>C. VCF-style: chr4-54727862-A-C. GRCh37 (hg19) VCF-style: chr4-55594028-A-C.
Other names: c.1802A>C, p.Glu601Ala (NM_001093772.2, NM_001385286.1); c.1817A>C, p.Glu606Ala (NM_001385284.1, NM_001385290.1); c.1814A>C, p.Glu605Ala (NM_001385285.1); c.1805A>C, p.Glu602Ala (NM_001385288.1, NM_001385292.1); short protein forms E605A, E601A, E602A, E606A.
Identifiers: ClinVar variation 458893 (VCV000458893.9), dbSNP rs1553891888, ClinGen allele CA356907990.